The following is an entry in ClinVar:

NM_000018.4(ACADVL):c.601T>C (p.Tyr201His)

Gene: ACADVL (acyl-CoA dehydrogenase very long chain; plus strand). Cytogenetic location: 17p13.1.
Variant type: single nucleotide variant.
Coding change: c.601T>C on transcript NM_000018.4 (MANE Select); coding-DNA position 601, T replaced by C.
Protein change: p.Tyr201His; replaces tyrosine 201 with histidine.
Molecular consequence: missense variant.
Genome position (GRCh38, 1-based): chr17:7,221,661, T>C. VCF-style: chr17-7221661-T-C. GRCh37 (hg19) VCF-style: chr17-7124980-T-C.
Other names: c.535T>C, p.Tyr179His (NM_001033859.3); c.670T>C, p.Tyr224His (NM_001270447.2); c.373T>C, p.Tyr125His (NM_001270448.2); short protein forms Y224H, Y125H, Y201H, Y179H.
Identifiers: ClinVar variation 847007 (VCV000847007.9), dbSNP rs2071233789, ClinGen allele CA397723254.

ClinVar aggregate classification (germline): Pathogenic. Review status: criteria provided, single submitter (1 of 4 stars). 2 submissions from 2 submitters: Pathogenic (1). 1 of the submissions does not count toward it. Last evaluated 2024-08-26.

Conditions:
Very long chain acyl-CoA dehydrogenase deficiency (ACADVLD). Also called: VLCAD Deficiency; Very Long-Chain Acyl-Coenzyme A Dehydrogenase Deficiency. Identifiers: Orphanet 26793, MedGen C3887523, MONDO:0008723, OMIM 201475.

Submissions (2):

Labcorp Genetics (formerly Invitae), Labcorp
Classification: Pathogenic for Very long chain acyl-CoA dehydrogenase deficiency. Last evaluated: 2024-08-26. Review status: criteria provided, single submitter. Criteria: Invitae Variant Classification Sherloc (09022015). Collection method: clinical testing. Allele origin: germline.
Comment: This sequence change replaces tyrosine, which is neutral and polar, with histidine, which is basic and polar, at codon 201 of the ACADVL protein (p.Tyr201His). This variant is not present in population databases (gnomAD no frequency). This missense change has been observed in individual(s) with very long-chain acyl-CoA dehydrogenase deficiency (internal data). In at least one individual the data is consistent with being in trans (on the opposite chromosome) from a pathogenic variant. ClinVar contains an entry for this variant (Variation ID: 847007). Invitae Evidence Modeling of protein sequence and biophysical properties (such as structural, functional, and spatial information, amino acid conservation, physicochemical variation, residue mobility, and thermodynamic stability) indicates that this missense variant is expected to disrupt ACADVL protein function with a positive predictive value of 95%. For these reasons, this variant has been classified as Pathogenic.

Natera, Inc.
Classification: Uncertain significance for Very long chain acyl-CoA dehydrogenase deficiency. Last evaluated: 2025-04-09. Review status: no assertion criteria provided. Collection method: clinical testing. Allele origin: germline. Not counted in ClinVar's aggregate classification.